The following is an entry in ClinVar:

NM_006642.5(SDCCAG8):c.2139_2141dup (p.Cys713_Ter714insCys)

Genes: SDCCAG8 (SHH signaling and ciliogenesis regulator SDCCAG8; plus strand), AKT3 (AKT serine/threonine kinase 3; minus strand). Cytogenetic location: 1q43.
Variant type: Duplication.
Coding change: c.2139_2141dup on transcript NM_006642.5 (MANE Select); coding-DNA positions 2139 to 2141, 3 bases duplicated (CTG; older notation c.2139_2141dupCTG).
Protein change: p.Cys713_Ter714insCys.
Molecular consequence: inframe insertion. On other transcripts: 3 prime UTR variant (2).
Genome position (GRCh38, 1-based): chr1:243,499,782-243,499,784, CTG duplicated; duplicating any 3 consecutive bases within chr1:243,499,780-243,499,784 gives the same sequence; the c. name uses the placement nearest the transcript's 3' end. VCF-style (leftmost placement, unchanged base first): chr1-243499779-T-TTGC. GRCh37 (hg19) VCF-style: chr1-243663081-T-TTGC.
Other names: c.1359_1361dup, p.Gln454_Ser455insGln (NM_001206729.2, NM_181690.2); c.*5467_*5469dup (NM_001370074.1, NM_005465.7); c.1236_1238dup, p.Cys412_Ter413insCys (NM_001350246.2, NM_001350247.2, NM_001350251.2); c.2235_2237dup, p.Cys745_Ter746insCys (NM_001350248.2); c.1845_1847dup, p.Cys615_Ter616insCys (NM_001350249.2).
Identifiers: ClinVar variation 1360829 (VCV001360829.5), dbSNP rs1268199421, ClinGen allele CA530250750.

ClinVar aggregate classification (germline): Uncertain significance. Review status: criteria provided, multiple submitters, no conflicts (2 of 4 stars). 2 submissions from 2 submitters: Uncertain significance (2). Last evaluated 2024-02-20.

Conditions:
Senior-Loken syndrome 7 (SLSN7). Identifiers: Orphanet 3156, MedGen C3150877, MONDO:0013326, OMIM 613615.
Bardet-Biedl syndrome 16 (BBS16). Identifiers: Orphanet 110, MedGen C3889474, MONDO:0014444, OMIM 615993.

Submissions (2):

Fulgent Genetics
Classification: Uncertain significance for Senior-Loken syndrome 7; Bardet-Biedl syndrome 16. Last evaluated: 2024-02-20. Review status: criteria provided, single submitter. Criteria: ACMG Guidelines, 2015. Collection method: clinical testing. Allele origin: germline.

Labcorp Genetics (formerly Invitae), Labcorp
Classification: Uncertain significance for Bardet-Biedl syndrome 16; Senior-Loken syndrome 7. Last evaluated: 2023-08-17. Review status: criteria provided, single submitter. Criteria: Invitae Variant Classification Sherloc (09022015). Collection method: clinical testing. Allele origin: germline.
Comment: This sequence change disrupts the translational stop signal of the SDCCAG8 mRNA. It is expected to extend the length of the SDCCAG8 protein by 1 additional amino acid residues. This variant is present in population databases (no rsID available, gnomAD 0.003%). This variant has not been reported in the literature in individuals affected with SDCCAG8-related conditions. ClinVar contains an entry for this variant (Variation ID: 1360829). Experimental studies and prediction algorithms are not available or were not evaluated, and the functional significance of this variant is currently unknown. In summary, the available evidence is currently insufficient to determine the role of this variant in disease. Therefore, it has been classified as a Variant of Uncertain Significance.